The following is an entry in ClinVar:

ClinVar aggregate classification (germline): Likely benign. Review status: criteria provided, single submitter (1 of 4 stars). 2 submissions from 2 submitters: Likely benign (1). 1 of the submissions does not count toward it. Last evaluated 2024-11-05.

Conditions:
PKD1-related disorder. Also called: PKD1-related condition.

Allele frequency attached by ClinVar (database versions not stated): gnomAD exomes 0.00012; ESP Exome Variant Server 0.00016; ExAC 0.00034; gnomAD 0.00047; TOPMed 0.00047; 1000 Genomes Project 30x 0.00062; 1000 Genomes Project 0.00080.
gnomAD v4.1: 244 of 1,598,262 alleles (0.015%); highest among the groups gnomAD compares: African/African-American, 0.17%; no homozygotes.

Submissions (2):

Blueprint Genetics
Classification: Likely benign. Last evaluated: 2024-11-05. Review status: criteria provided, single submitter. Criteria: ACMG Guidelines, 2015. Collection method: clinical testing. Allele origin: germline.

PreventionGenetics, part of Exact Sciences
Classification: Likely benign for PKD1-related condition. Last evaluated: 2021-05-14. Review status: no assertion criteria provided. Collection method: clinical testing. Allele origin: germline. Not counted in ClinVar's aggregate classification.
Comment: This variant is classified as likely benign based on ACMG/AMP sequence variant interpretation guidelines (Richards et al. 2015 PMID: 25741868, with internal and published modifications).

NM_001009944.3(PKD1):c.5526C>T (p.Pro1842=)

Gene: PKD1 (polycystin 1, transient receptor potential channel interacting; minus strand). Cytogenetic location: 16p13.3.
Variant type: single nucleotide variant.
Coding change: c.5526C>T on transcript NM_001009944.3 (MANE Select); coding-DNA position 5526, C replaced by T.
Protein change: p.Pro1842=; no amino-acid change (proline 1842 retained).
Molecular consequence: synonymous variant.
Genome position (GRCh38, 1-based): chr16:2,109,641, G>A on the plus strand (C>T on the coding strand, the complement: PKD1 is on the minus strand). VCF-style: chr16-2109641-G-A. GRCh37 (hg19) VCF-style: chr16-2159642-G-A.
Other names: c.5526C>T, p.Pro1842= (NM_000296.4).
Identifiers: ClinVar variation 3036659 (VCV003036659.3), dbSNP rs139317950, ClinGen allele CA7831955.